The following is an entry in ClinVar:

NM_001009944.3(PKD1):c.1816C>G (p.Arg606Gly)

Gene: PKD1 (polycystin 1, transient receptor potential channel interacting; minus strand). Cytogenetic location: 16p13.3.
Variant type: single nucleotide variant.
Coding change: c.1816C>G on transcript NM_001009944.3 (MANE Select); coding-DNA position 1816, C replaced by G.
Protein change: p.Arg606Gly; replaces arginine 606 with glycine.
Molecular consequence: missense variant.
Genome position (GRCh38, 1-based): chr16:2,116,025, G>C on the plus strand (C>G on the coding strand, the complement: PKD1 is on the minus strand). VCF-style: chr16-2116025-G-C. GRCh37 (hg19) VCF-style: chr16-2166026-G-C.
Other names: c.1816C>G, p.Arg606Gly (NM_000296.4); short protein forms R606G.
Identifiers: ClinVar variation 3254755 (VCV003254755.3), dbSNP rs1256105528.

ClinVar aggregate classification (germline): Uncertain significance. Review status: criteria provided, multiple submitters, no conflicts (2 of 4 stars). 2 submissions from 2 submitters: Uncertain significance (2). Last evaluated 2024-10-09.

Conditions:
Polycystic kidney disease, adult type (PKD1). Also called: POLYCYSTIC KIDNEY DISEASE, ADULT, TYPE I; Polycystic Kidney Disease 1, Autosomal Dominant; Polycystic kidney disease 1; Polycystic kidney disease 1, severe; POLYCYSTIC KIDNEY DISEASE 1 WITH OR WITHOUT POLYCYSTIC LIVER DISEASE; Polycystic Kidney, Autosomal Dominant. Identifiers: MedGen C3149841, MONDO:0008263, OMIM 173900.

Submissions (2):

Victorian Clinical Genetics Services, Murdoch Childrens Research Institute
Classification: Uncertain significance for Polycystic kidney disease, adult type. Last evaluated: 2024-10-09. Review status: criteria provided, single submitter. Criteria: ACMG Guidelines, 2015. Collection method: clinical testing. Allele origin: germline. Inheritance: Autosomal dominant inheritance. Affected: yes.
Comment: Based on the classification scheme VCGS_Germline_v1.3.4, this variant is classified as VUS-3A. Following criteria are met: 0102 - Loss of function is a known mechanism of disease in this gene and is associated with polycystic kidney disease 1 (PKD; MIM#173900). (I) 0107 - This gene is associated with autosomal dominant disease. Polycystic kidney disease 1 (MIM#173900) is predominantly caused by monoallelic variants, with rare reports of biallelic variants causing disease (OMIM). (I) 0200 - Variant is predicted to result in a missense amino acid change from arginine to glycine. (I) 0251 - This variant is heterozygous. (I) 0301 - Variant is absent from gnomAD (both v2 and v3). (SP) 0502 - Missense variant with conflicting in silico predictions and uninformative conservation. (I) 0604 - Variant is not located in an established domain, motif, hotspot or informative constraint region. (I) 0710 - Another missense variant comparable to the one identified in this case has inconclusive previous evidence for pathogenicity. p.(Arg606Pro) has been reported as a VUS in cis with a second VUS. These variants segregated in a family with PKD (ClinVar). (I) 0809 - Previous evidence of pathogenicity for this variant is inconclusive. (I) 0905 - No published segregation evidence has been identified for this variant. (I) 1007 - No published functional evidence has been identified for this variant. (I) 1208 - Inheritance information for this variant is not currently available in this individual. (I) Legend: (SP) - Supporting pathogenic, (I) - Information, (SB) - Supporting benign

Blueprint Genetics
Classification: Uncertain significance. Last evaluated: 2024-08-20. Review status: criteria provided, single submitter. Criteria: ACMG Guidelines, 2015. Collection method: clinical testing. Allele origin: germline.